The following is an entry in ClinVar:

ClinVar aggregate classification (germline): Uncertain significance. Review status: criteria provided, multiple submitters, no conflicts (2 of 4 stars). 2 submissions from 2 submitters: Uncertain significance (2). Last evaluated 2023-06-12.

Conditions:
MHC class I deficiency. Identifiers: Orphanet 34592, MedGen C6024714, MONDO:0011476.
Inborn genetic diseases. Identifiers: MedGen C0950123, MeSH D030342.

Submissions (2):

Ambry Genetics
Classification: Uncertain significance for Inborn genetic diseases. Last evaluated: 2023-06-12. Review status: criteria provided, single submitter. Criteria: Ambry Variant Classification Scheme 2023. Collection method: clinical testing. Allele origin: germline.

Labcorp Genetics (formerly Invitae), Labcorp
Classification: Uncertain significance for MHC class I deficiency 1. Last evaluated: 2022-08-21. Review status: criteria provided, single submitter. Criteria: Invitae Variant Classification Sherloc (09022015). Collection method: clinical testing. Allele origin: germline.
Comment: Algorithms developed to predict the effect of missense changes on protein structure and function are either unavailable or do not agree on the potential impact of this missense change (SIFT: "Tolerated"; PolyPhen-2: "Not Available"; Align-GVGD: "Class C0"). This variant has not been reported in the literature in individuals affected with TAP2-related conditions. This variant is present in population databases (rs373611572, gnomAD 0.0009%). This sequence change replaces glycine, which is neutral and non-polar, with valine, which is neutral and non-polar, at codon 60 of the TAP2 protein (p.Gly60Val). In summary, the available evidence is currently insufficient to determine the role of this variant in disease. Therefore, it has been classified as a Variant of Uncertain Significance. Algorithms developed to predict the effect of sequence changes on RNA splicing suggest that this variant may create or strengthen a splice site.

NM_001290043.2(TAP2):c.179G>T (p.Gly60Val)

Gene: TAP2 (transporter 2, ATP binding cassette subfamily B member; minus strand). Cytogenetic location: 6p21.32.
Variant type: single nucleotide variant.
Coding change: c.179G>T on transcript NM_001290043.2 (MANE Select); coding-DNA position 179, G replaced by T.
Protein change: p.Gly60Val; replaces glycine 60 with valine.
Molecular consequence: missense variant.
Genome position (GRCh38, 1-based): chr6:32,838,055, C>A on the plus strand (G>T on the coding strand, the complement: TAP2 is on the minus strand). VCF-style: chr6-32838055-C-A. GRCh37 (hg19) VCF-style: chr6-32805832-C-A.
Other names: c.179G>T, p.Gly60Val (NM_000544.3, NM_018833.3); short protein forms G60V.
Identifiers: ClinVar variation 2162080 (VCV002162080.6), dbSNP rs373611572, ClinGen allele CA3746200.
Genomic context (GRCh38, chr6:32,838,055, plus strand): 5'-CTCAGGGAGACAGTCAGGGGGGTGGCCAGACAGAGCGGGAGCAGCAGTGTCCCCACAAAT[C>A]CCAGCAGCCCTCTTAGCTTTAGCAGCCCCCACAGCCCTCCCAGCCGCAGGGTCCCCTCCA-3'
Protein context (NP_001276972.1, residues 50-70): WGLLKLRGLL[Gly60Val]FVGTLLLPLC